The following is an entry in ClinVar:

ClinVar aggregate classification (germline): Uncertain significance. Review status: criteria provided, single submitter (1 of 4 stars). 2 submissions from 2 submitters: Uncertain significance (1). 1 of the submissions does not count toward it. Last evaluated 2020-10-30.

Conditions:
Retinitis pigmentosa 25 (RP25). Identifiers: Orphanet 791, MedGen C1864446, MONDO:0011272, OMIM 602772.

Submissions (2):

Labcorp Genetics (formerly Invitae), Labcorp
Classification: Uncertain significance. Last evaluated: 2020-10-30. Review status: criteria provided, single submitter. Criteria: Invitae Variant Classification Sherloc (09022015). Collection method: clinical testing. Allele origin: germline.
Comment: This variant has not been reported in the literature in individuals with EYS-related conditions. In summary, the available evidence is currently insufficient to determine the role of this variant in disease. Therefore, it has been classified as a Variant of Uncertain Significance. Algorithms developed to predict the effect of missense changes on protein structure and function output the following: SIFT: "Deleterious"; PolyPhen-2: "Benign"; Align-GVGD: "Class C15". The glycine amino acid residue is found in multiple mammalian species, suggesting that this missense change does not adversely affect protein function. These predictions have not been confirmed by published functional studies and their clinical significance is uncertain. This variant is not present in population databases (ExAC no frequency). This sequence change replaces glutamic acid with glycine at codon 1123 of the EYS protein (p.Glu1123Gly). The glutamic acid residue is highly conserved and there is a moderate physicochemical difference between glutamic acid and glycine.

Natera, Inc.
Classification: Uncertain significance for Retinitis pigmentosa type 25. Last evaluated: 2025-04-15. Review status: no assertion criteria provided. Collection method: clinical testing. Allele origin: germline. Not counted in ClinVar's aggregate classification.

NM_001142800.2(EYS):c.3368A>G (p.Glu1123Gly)

Gene: EYS (EGF-like photoreceptor maintenance factor; minus strand). Cytogenetic location: 6q12.
Variant type: single nucleotide variant.
Coding change: c.3368A>G on transcript NM_001142800.2 (MANE Select); coding-DNA position 3368, A replaced by G.
Protein change: p.Glu1123Gly; replaces glutamic acid 1123 with glycine.
Molecular consequence: missense variant.
Genome position (GRCh38, 1-based): chr6:64,813,453, T>C on the plus strand (A>G on the coding strand, the complement: EYS is on the minus strand). VCF-style: chr6-64813453-T-C. GRCh37 (hg19) VCF-style: chr6-65523346-T-C.
Other names: c.3368A>G (NM_001142800.1); c.3368A>G, p.Glu1123Gly (NM_001292009.2); short protein forms E1123G.
Identifiers: ClinVar variation 1060750 (VCV001060750.10), dbSNP rs2150016148, ClinGen allele CA364786830.